The following is an entry in ClinVar:

NM_000166.6(GJB1):c.223C>T (p.Arg75Trp)

Gene: GJB1 (gap junction protein beta 1; plus strand). Cytogenetic location: Xq13.1.
Variant type: single nucleotide variant.
Coding change: c.223C>T on transcript NM_000166.6 (MANE Select); coding-DNA position 223, C replaced by T.
Protein change: p.Arg75Trp; replaces arginine 75 with tryptophan.
Molecular consequence: missense variant.
Genome position (GRCh38, 1-based): chrX:71,223,930, C>T. VCF-style: chrX-71223930-C-T. GRCh37 (hg19) VCF-style: chrX-70443780-C-T.
Other names: c.223C>T, p.Arg75Trp (NM_001097642.3); short protein forms R75W.
Identifiers: ClinVar variation 21082 (VCV000021082.30), dbSNP rs116840819, ClinGen allele CA341601.
Genomic context (GRCh38, chrX:71,223,930, plus strand): 5'-ACACTCCAGCCTGGCTGCAACAGCGTTTGCTATGACCAATTCTTCCCCATCTCCCATGTG[C>T]GGCTGTGGTCCCTGCAGCTCATCCTAGTTTCCACCCCAGCTCTCCTCGTGGCCATGCACG-3'
Protein context (NP_000157.1, residues 65-85): YDQFFPISHV[Arg75Trp]LWSLQLILVS

ClinVar aggregate classification (germline): Pathogenic/Likely pathogenic. Review status: criteria provided, multiple submitters, no conflicts (2 of 4 stars). 10 submissions from 10 submitters: Pathogenic (6); Likely pathogenic (2). 2 of the submissions do not count toward it. Last evaluated 2025-05-26.

Conditions:
Inborn genetic diseases. Identifiers: MedGen C0950123, MeSH D030342.
Charcot-Marie-Tooth disease. Also called: Charcot-Marie-Tooth Neuropathy; Charcot-Marie-Tooth Hereditary Neuropathy. Identifiers: Orphanet 166, MedGen C0007959, MONDO:0015626.
Charcot-Marie-Tooth Neuropathy X. Identifiers: MedGen CN118851.
Charcot-Marie-Tooth disease X-linked dominant 1. Also called: Charcot-Marie-Tooth Neuropathy X Type 1; X-linked Charcot-Marie-Tooth disease type 1; GJB1 Disorders: Charcot-Marie-Tooth Neuropathy (CMT1X) and Central Nervous System Phenotypes; CHARCOT-MARIE-TOOTH NEUROPATHY, X-LINKED, 1; CHARCOT-MARIE-TOOTH PERONEAL MUSCULAR ATROPHY, X-LINKED; HEREDITARY MOTOR AND SENSORY NEUROPATHY, X-LINKED. Identifiers: Orphanet 101075, MedGen C0393808, MONDO:0010549, OMIM 302800.

Submissions (10):

Labcorp Genetics (formerly Invitae), Labcorp
Classification: Pathogenic for Charcot-Marie-Tooth Neuropathy X. Last evaluated: 2025-05-26. Review status: criteria provided, single submitter. Criteria: Invitae Variant Classification Sherloc (09022015). Collection method: clinical testing. Allele origin: germline.
Comment: This sequence change replaces arginine, which is basic and polar, with tryptophan, which is neutral and slightly polar, at codon 75 of the GJB1 protein (p.Arg75Trp). This variant is not present in population databases (gnomAD no frequency). This missense change has been observed in individuals with Charcot-Marie-Tooth disease (CMT) (PMID: 9272161, 10732813, 12402337, 14663027, 15719046, 17100997). It has also been observed to segregate with disease in related individuals. ClinVar contains an entry for this variant (Variation ID: 21082). Invitae Evidence Modeling of protein sequence and biophysical properties (such as structural, functional, and spatial information, amino acid conservation, physicochemical variation, residue mobility, and thermodynamic stability) indicates that this missense variant is expected to disrupt GJB1 protein function with a positive predictive value of 95%. Experimental studies have shown that this missense change affects GJB1 function (PMID: 12460545, 19369543, 23209285). For these reasons, this variant has been classified as Pathogenic.

Clinical Genetics Laboratory, Skane University Hospital Lund
Classification: Pathogenic. Last evaluated: 2024-03-19. Review status: criteria provided, single submitter. Criteria: ACMG Guidelines, 2015. Collection method: clinical testing. Allele origin: germline. Affected: yes.

GeneDx
Classification: Pathogenic. Last evaluated: 2023-10-25. Review status: criteria provided, single submitter. Criteria: GeneDx Variant Classification Process June 2021. Collection method: clinical testing. Allele origin: germline. Affected: yes.
Comment: Published functional studies demonstrate a damaging effect on the gene product (PMID: 12460545, 23209285); In silico analysis supports that this missense variant has a deleterious effect on protein structure/function; Different missense changes at this residue (R75Q) and (R75P) have been reported in the Human Gene Mutation Database and in published literature (PMID: 8829637, 9272161, 23209285, 12460545, 32489946, 32399692; HGMD); Missense variants in this gene are a common cause of disease and they are underrepresented in the general population; Not observed at significant frequency in large population cohorts (gnomAD); This variant is associated with the following publications: (PMID: 19369543, 9361298, 14663027, 12460545, 12402337, 17100997, 23209285, 30373780, 29095325, 32941234, 32399692, 9272161, 10732813, 8829637, 32489946)

Athena Diagnostics
Classification: Pathogenic. Last evaluated: 2023-08-23. Review status: criteria provided, single submitter. Criteria: Athena Diagnostics Criteria. Collection method: clinical testing. Allele origin: unknown.
Comment: This variant has been identified in multiple unrelated individuals with clinical features associated with this gene. This variant has not been reported in large, multi-ethnic general populations. Assessment of experimental evidence suggests this variant results in abnormal protein function. Studies showed defective protein activity and transgenic mice with a demyelinating neuropathy (PMID: 12460545, 19369543, 23209285, 28334782).

MGZ Medical Genetics Center
Classification: Pathogenic for Charcot-Marie-Tooth disease X-linked dominant 1. Last evaluated: 2022-01-26. Review status: criteria provided, single submitter. Criteria: ACMG Guidelines, 2015. Collection method: clinical testing. Allele origin: germline. Affected: yes. Observed: 1 variant allele.
Comment: ACMG criteria applied: PS3, PS4_MOD, PM1_SUP, PM2_SUP, PP1, PP3

Ambry Genetics
Classification: Likely pathogenic for Inborn genetic diseases. Last evaluated: 2021-10-21. Review status: criteria provided, single submitter. Criteria: Ambry Variant Classification Scheme 2023. Collection method: clinical testing. Allele origin: germline.
Comment: The p.R75W variant (also known as c.223C>T), located in coding exon 1 of the GJB1 gene, results from a C to T substitution at nucleotide position 223. The arginine at codon 75 is replaced by tryptophan, an amino acid with dissimilar properties. This variant has been detected in the hemizygous state in multiple unrelated males with Charcot-Marie-Tooth neuropathy X type 1 (CMTX1), as well as in heterozygous carrier females with mild symptoms (Vogt B et al. J Neurol, 2020 Sep;267:2648-2654; Silander K et al. Hum Genet, 1997 Sep;100:391-7; Zhang RX et al. Beijing Da Xue Xue Bao Yi Xue Ban, 2005 Feb;37:68-71; Parissis D et al. Neurologist, 2017 Nov;22:234-236). Functional studies indicate this alteration impairs gap junction formation and transgenic mice expressing this alteration recapitulate the phenotype (Kagiava A et al. Hum Mol Genet, 2018 04;27:1460-1473; Kyriakoudi S et al. Hum Mol Genet, 2017 05;26:1622-1633; Abrams CK et al. J Biol Chem, 2013 Feb;288:3609-19; Sargiannidou I et al. J Neurosci, 2009 Apr;29:4736-49). This variant is considered to be rare based on population cohorts in the Genome Aggregation Database (gnomAD). This amino acid position is highly conserved in available vertebrate species. In addition, this alteration is predicted to be deleterious by in silico analysis. Based on the majority of available evidence to date, this variant is likely to be pathogenic.

ARUP Laboratories, Molecular Genetics and Genomics, ARUP Laboratories
Classification: Pathogenic for Charcot-Marie-Tooth disease X-linked dominant 1. Last evaluated: 2019-06-11. Review status: criteria provided, single submitter. Criteria: ARUP Molecular Germline Variant Investigation Process. Collection method: clinical testing. Allele origin: germline.
Comment: The GJB1 c.223C>T; p.Arg75Trp variant (rs116840819) is reported frequently in the literature in individuals affected with X-linked Charcot-Marie-Tooth neuropathy (select references: Silander 1997, Zhang 2005, Parissis 2017, and Bacquet 2018). Functional analyses of the variant protein in cell culture and transgenic mice show that the p.Arg75Trp variant causes defects in GJB1 protein function consistent with known CMT disease mechanisms (Sargiannidou 2009, Abrams 2013). This variant is absent from general population databases (Exome Variant Server, Genome Aggregation Database), indicating it is not a common polymorphism. Based on available information, this variant is considered to be pathogenic.

Juno Genomics, Hangzhou Juno Genomics, Inc
Classification: Likely pathogenic for Charcot-Marie-Tooth disease X-linked dominant 1. Review status: criteria provided, single submitter. Criteria: ACMG Guidelines, 2015. Collection method: clinical testing. Allele origin: germline. Affected: yes.
Comment: Absent from controls (or at extremely low frequency if recessive) in Genome Aggregation Database.;The prevalence of the variant in affected individuals is significantly increased compared to the prevalence in controls.;Patient's phenotype or family history is highly specific for a disease with a single genetic etiology.;Well-established in vitro or in vivo functional studies supportive of a damaging effect on the gene or gene product.

GeneReviews
No classification provided. Condition: Charcot-Marie-Tooth disease X-linked dominant 1. Review status: no classification provided. Collection method: literature only. Allele origin: unknown. Not counted in ClinVar's aggregate classification.

Inherited Neuropathy Consortium
Classification: Uncertain significance for Charcot-Marie-Tooth disease. Review status: no assertion criteria provided. Collection method: literature only. Allele origin: germline. Affected: yes. Not counted in ClinVar's aggregate classification.

Literature cited by the submitters: PubMed 9272161 (cited by 3 submitters); PubMed 10732813 (cited by Labcorp Genetics (formerly Invitae), Labcorp and Athena Diagnostics); PubMed 12402337 (cited by Labcorp Genetics (formerly Invitae), Labcorp and Athena Diagnostics); PubMed 14663027 (cited by Labcorp Genetics (formerly Invitae), Labcorp and Athena Diagnostics); PubMed 15719046 (cited by 3 submitters); PubMed 17100997 (cited by 3 submitters); PubMed 12460545 (cited by Labcorp Genetics (formerly Invitae), Labcorp and Athena Diagnostics); PubMed 19369543 (cited by 3 submitters); PubMed 23209285 (cited by 3 submitters); PubMed 30373780 (cited by Athena Diagnostics and Ambry Genetics); PubMed 29095325 (cited by Athena Diagnostics and Ambry Genetics); PubMed 32399692 (cited by Athena Diagnostics and Ambry Genetics); PubMed 28334782 (cited by Athena Diagnostics and Ambry Genetics); PubMed 28071741 (cited by Athena Diagnostics); PubMed 27804109 (cited by Athena Diagnostics); PubMed 29462293 (cited by Ambry Genetics); PubMed 20301548 (cited by GeneReviews); NCBI Bookshelf NBK1374 (cited by GeneReviews).